The following is an entry in ClinVar:

ClinVar aggregate classification (germline): Uncertain significance. Review status: criteria provided, multiple submitters, no conflicts (2 of 4 stars). 2 submissions from 2 submitters: Uncertain significance (2). Last evaluated 2024-07-08.

Conditions:
Fanconi anemia (FA). Also called: Fanconi's anemia. Identifiers: Orphanet 84, MedGen C0015625, MeSH D005199, MONDO:0019391.

Allele frequency attached by ClinVar (database versions not stated): gnomAD exomes below 0.00001 and 0.00001; TOPMed below 0.00001.
gnomAD v4.1: 7 of 1,613,232 alleles (0.00043%); highest among the groups gnomAD compares: Non-Finnish European, 0.00059%; no homozygotes.

Submissions (2):

Labcorp Genetics (formerly Invitae), Labcorp
Classification: Uncertain significance for Fanconi anemia. Last evaluated: 2024-07-08. Review status: criteria provided, single submitter. Criteria: Invitae Variant Classification Sherloc (09022015). Collection method: clinical testing. Allele origin: germline.
Comment: This sequence change replaces phenylalanine, which is neutral and non-polar, with serine, which is neutral and polar, at codon 1221 of the FANCM protein (p.Phe1221Ser). This variant is present in population databases (no rsID available, gnomAD 0.0009%). This variant has not been reported in the literature in individuals affected with FANCM-related conditions. ClinVar contains an entry for this variant (Variation ID: 1060306). An algorithm developed to predict the effect of missense changes on protein structure and function (PolyPhen-2) suggests that this variant is likely to be disruptive. In summary, the available evidence is currently insufficient to determine the role of this variant in disease. Therefore, it has been classified as a Variant of Uncertain Significance.

GeneDx
Classification: Uncertain significance. Last evaluated: 2023-12-18. Review status: criteria provided, single submitter. Criteria: GeneDx Variant Classification Process June 2021. Collection method: clinical testing. Allele origin: germline. Affected: yes.
Comment: Not observed at significant frequency in large population cohorts (gnomAD); In silico analysis supports that this missense variant has a deleterious effect on protein structure/function; Has not been previously published as pathogenic or benign to our knowledge

NM_020937.4(FANCM):c.3662T>C (p.Phe1221Ser)

Gene: FANCM (FA complementation group M; plus strand). Cytogenetic location: 14q21.2.
Variant type: single nucleotide variant.
Coding change: c.3662T>C on transcript NM_020937.4 (MANE Select); coding-DNA position 3662, T replaced by C.
Protein change: p.Phe1221Ser; replaces phenylalanine 1221 with serine.
Molecular consequence: missense variant.
Genome position (GRCh38, 1-based): chr14:45,176,416, T>C. VCF-style: chr14-45176416-T-C. GRCh37 (hg19) VCF-style: chr14-45645619-T-C.
Other names: c.3584T>C, p.Phe1195Ser (NM_001308133.2); short protein forms F1195S, F1221S.
Identifiers: ClinVar variation 1060306 (VCV001060306.12), dbSNP rs1350824740, ClinGen allele CA389602511.